The following is an entry in ClinVar:

ClinVar aggregate classification (germline): Uncertain significance (1 of 4 stars; one submission).

Conditions:
Hereditary diffuse gastric adenocarcinoma (HDGC). Also called: DIFFUSE GASTRIC AND LOBULAR BREAST CANCER SYNDROME. Identifiers: Orphanet 26106, MedGen C1708349, MONDO:0007648, OMIM 137215.

Submission:

Labcorp Genetics (formerly Invitae), Labcorp
Classification: Uncertain significance for Hereditary diffuse gastric adenocarcinoma. Last evaluated: 2024-05-14. Review status: criteria provided, single submitter. Criteria: Invitae Variant Classification Sherloc (09022015). Collection method: clinical testing. Allele origin: germline.
Comment: This sequence change replaces serine, which is neutral and polar, with phenylalanine, which is neutral and non-polar, at codon 465 of the CDH1 protein (p.Ser465Phe). This variant is not present in population databases (gnomAD no frequency). This variant has not been reported in the literature in individuals affected with CDH1-related conditions. An algorithm developed to predict the effect of missense changes on protein structure and function (PolyPhen-2) suggests that this variant is likely to be tolerated. In summary, the available evidence is currently insufficient to determine the role of this variant in disease. Therefore, it has been classified as a Variant of Uncertain Significance.

NM_004360.5(CDH1):c.1394C>T (p.Ser465Phe)

Gene: CDH1 (cadherin 1; plus strand). Cytogenetic location: 16q22.1.
Variant type: single nucleotide variant.
Coding change: c.1394C>T on transcript NM_004360.5 (MANE Select); coding-DNA position 1394, C replaced by T.
Protein change: p.Ser465Phe; replaces serine 465 with phenylalanine.
Molecular consequence: missense variant. On other transcripts: 5 prime UTR variant (2).
Genome position (GRCh38, 1-based): chr16:68,815,588, C>T. VCF-style: chr16-68815588-C-T. GRCh37 (hg19) VCF-style: chr16-68849491-C-T.
Other names: c.1211C>T, p.Ser404Phe (NM_001317184.2); c.-155C>T (NM_001317185.2); c.-426C>T (NM_001317186.2); short protein forms S404F, S465F.
Identifiers: ClinVar variation 3653287 (VCV003653287.2).